The following is an entry in ClinVar:

ClinVar aggregate classification (germline): Uncertain significance (1 of 4 stars; one submission).

Allele frequency attached by ClinVar (database versions not stated): gnomAD exomes below 0.00001.
gnomAD v4.1: 46 of 1,612,808 alleles (0.0029%); highest among the groups gnomAD compares: Non-Finnish European, 0.0038%; no homozygotes.

Submission:

Labcorp Genetics (formerly Invitae), Labcorp
Classification: Uncertain significance. Last evaluated: 2021-09-01. Review status: criteria provided, single submitter. Criteria: Invitae Variant Classification Sherloc (09022015). Collection method: clinical testing. Allele origin: germline.
Comment: This sequence change replaces arginine with glycine at codon 4146 of the ADGRV1 protein (p.Arg4146Gly). The arginine residue is weakly conserved and there is a moderate physicochemical difference between arginine and glycine. This variant is not present in population databases (ExAC no frequency). This variant has not been reported in the literature in individuals affected with ADGRV1-related conditions. Algorithms developed to predict the effect of missense changes on protein structure and function output the following: SIFT: "Tolerated"; PolyPhen-2: "Benign"; Align-GVGD: "Class C0". The glycine amino acid residue is found in multiple mammalian species, which suggests that this missense change does not adversely affect protein function. In summary, the available evidence is currently insufficient to determine the role of this variant in disease. Therefore, it has been classified as a Variant of Uncertain Significance.

NM_032119.4(ADGRV1):c.12436C>G (p.Arg4146Gly)

Gene: ADGRV1 (adhesion G protein-coupled receptor V1; plus strand). Cytogenetic location: 5q14.3.
Variant type: single nucleotide variant.
Coding change: c.12436C>G on transcript NM_032119.4 (MANE Select); coding-DNA position 12436, C replaced by G.
Protein change: p.Arg4146Gly; replaces arginine 4146 with glycine.
Molecular consequence: missense variant. On other transcripts: non-coding transcript variant (1).
Genome position (GRCh38, 1-based): chr5:90,776,485, C>G. VCF-style: chr5-90776485-C-G. GRCh37 (hg19) VCF-style: chr5-90072302-C-G.
Other names: short protein forms R4146G.
Identifiers: ClinVar variation 1447961 (VCV001447961.5), dbSNP rs369793306, ClinGen allele CA122803513.